The following is an entry in ClinVar:

ClinVar aggregate classification (germline): Uncertain significance (1 of 4 stars; one submission).

gnomAD v4.1: 2 of 1,521,018 alleles (0.00013%); highest among the groups gnomAD compares: Admixed American, 0.0022%; no homozygotes.

Submission:

Labcorp Genetics (formerly Invitae), Labcorp
Classification: Uncertain significance. Last evaluated: 2025-12-29. Review status: criteria provided, single submitter. Criteria: Invitae Variant Classification Sherloc (09022015). Collection method: clinical testing. Allele origin: germline.
Comment: This sequence change replaces asparagine, which is neutral and polar, with aspartic acid, which is acidic and polar, at codon 347 of the TCF3 protein (p.Asn347Asp). This variant is not present in population databases (gnomAD no frequency). This variant has not been reported in the literature in individuals affected with TCF3-related conditions. Invitae Evidence Modeling of protein sequence and biophysical properties (such as structural, functional, and spatial information, amino acid conservation, physicochemical variation, residue mobility, and thermodynamic stability) indicates that this missense variant is not expected to disrupt TCF3 protein function with a negative predictive value of 80%. In summary, the available evidence is currently insufficient to determine the role of this variant in disease. Therefore, it has been classified as a Variant of Uncertain Significance.

NM_003200.5(TCF3):c.1039A>G (p.Asn347Asp)

Gene: TCF3 (transcription factor 3; minus strand). Cytogenetic location: 19p13.3.
Variant type: single nucleotide variant.
Coding change: c.1039A>G on transcript NM_003200.5 (MANE Select); coding-DNA position 1039, A replaced by G.
Protein change: p.Asn347Asp; replaces asparagine 347 with aspartic acid.
Molecular consequence: missense variant.
Genome position (GRCh38, 1-based): chr19:1,621,022, T>C on the plus strand (A>G on the coding strand, the complement: TCF3 is on the minus strand). VCF-style: chr19-1621022-T-C. GRCh37 (hg19) VCF-style: chr19-1621021-T-C.
Other names: c.1039A>G, p.Asn347Asp (NM_001136139.4, NM_001351778.2, NM_001351779.2); short protein forms N347D.
Identifiers: ClinVar variation 4699390 (VCV004699390.1).